The following is an entry in ClinVar:

ClinVar aggregate classification (germline): Pathogenic. Review status: criteria provided, multiple submitters, no conflicts (2 of 4 stars). 3 submissions from 3 submitters: Pathogenic (2). 1 of the submissions does not count toward it. Last evaluated 2024-04-25.

Conditions:
Angelman syndrome (AS). Also called: HAPPY PUPPET SYNDROME. Identifiers: Orphanet 72, MedGen C0162635, MONDO:0007113, OMIM 105830. Disease mechanism: loss of function. Inheritance: AS is caused by disruption of maternally imprinted UBE3A located within the 15q11.2-q13 Angelman syndrome/Prader-Willi syndrome (AS/PWS) region., imprinting disorder.

Submissions (3):

GeneDx
Classification: Pathogenic. Last evaluated: 2024-04-25. Review status: criteria provided, single submitter. Criteria: GeneDx Variant Classification Process June 2021. Collection method: clinical testing. Allele origin: germline. Affected: yes.
Comment: Identified in a patient with mild developmental delay, moderate speech delay, and no seizures in published literature (PMID: 22566713); Stop codon loss and change to a Gln codon, leading to protein extension and the addition of 16 amino acids at the C-terminus in a gene for which protein extension is a known mechanism of disease; Not observed at significant frequency in large population cohorts (gnomAD); This variant is associated with the following publications: (PMID: 22566713)

Genetic Services Laboratory, University of Chicago
Classification: Pathogenic for Angelman syndrome. Last evaluated: 2016-02-22. Review status: criteria provided, single submitter. Criteria: ACMG Guidelines, 2015. Collection method: clinical testing. Allele origin: germline. Affected: yes.

Baylor Genetics
Classification: Pathogenic for Angelman Syndrome. Last evaluated: 2014-02-14. Review status: no assertion criteria provided. Collection method: clinical testing. Allele origin: germline. Affected: yes. Observed: 3 variant alleles. Study: UBE3A Mutation Study. Not counted in ClinVar's aggregate classification.
Comment: Data collected from clinical UBE3A sequence analysis results

Literature cited by the submitters: PubMed 25212744 (cited by Baylor Genetics).

NM_130839.5(UBE3A):c.2616_*6del (p.Ter873GlnextTer?)

Genes: SNHG14 (small nucleolar RNA host gene 14; plus strand), UBE3A (ubiquitin protein ligase E3A; minus strand). Cytogenetic location: 15q11.2.
Variant type: Deletion.
Coding change: c.2616_*6del on transcript NM_130839.5 (MANE Select); coding-DNA position 2616 through 6 bases downstream of the stop codon, 10 bases deleted (GTAAAACAAA; older notation c.2616_*6delGTAAAACAAA).
Protein change: p.Ter873GlnextTer?.
Molecular consequence: frameshift variant. On other transcripts: non-coding transcript variant (1).
Genome position (GRCh38, 1-based): chr15:25,339,131-25,339,140, TTTGTTTTAC deleted on the plus strand (GTAAAACAAA on the coding strand, the reverse complement: UBE3A is on the minus strand). VCF-style (leftmost placement, unchanged base first): chr15-25339130-TTTTGTTTTAC-T. GRCh37 (hg19) VCF-style: chr15-25584277-TTTTGTTTTAC-T.
Other names: p.*853Tfs; c.2625_*6del, p.Ter876GlnextTer? (NM_000462.5); c.2616_*6del, p.Ter873GlnextTer? (NM_001354505.1, NM_001354538.2); c.2556_*6del, p.Ter853GlnextTer? (NM_001354506.2, NM_001354507.2, NM_001354508.2 and 14 more transcripts); c.2460_*6del, p.Ter821GlnextTer? (NM_001354545.2); c.2439_*6del, p.Ter814GlnextTer? (NM_001354546.2); c.2400_*6del, p.Ter801GlnextTer? (NM_001354547.2, NM_001354548.2); c.2391_*6del, p.Ter798GlnextTer? (NM_001354549.2); and 2 more.
Identifiers: ClinVar variation 155985 (VCV000155985.7), dbSNP rs587781232, ClinGen allele CA205603.
Genomic context (GRCh38, chr15:25,339,130, plus strand): 5'-TAAAATTTTTTAAATTTTTTCTTTTTTTTTCCTTCCTTTTTTTTGTTTTATTTTGTTTTG[TTTTGTTTTAC>T]AGCATGCCAAATCCTTTGGCATACGTGATGGCCTTCAACAATCTCTCTTTAAGTTTTTCT-3'